The following is an entry in ClinVar:

NM_006397.3(RNASEH2A):c.839G>A (p.Arg280His)

Gene: RNASEH2A (ribonuclease H2 subunit A; plus strand). Cytogenetic location: 19p13.13.
Variant type: single nucleotide variant.
Coding change: c.839G>A on transcript NM_006397.3 (MANE Select); coding-DNA position 839, G replaced by A.
Protein change: p.Arg280His; replaces arginine 280 with histidine.
Molecular consequence: missense variant.
Genome position (GRCh38, 1-based): chr19:12,813,405, G>A. VCF-style: chr19-12813405-G-A. GRCh37 (hg19) VCF-style: chr19-12924219-G-A.
Other names: p.Arg280His; short protein forms R280H.
Identifiers: ClinVar variation 862009 (VCV000862009.7), dbSNP rs756346898, ClinGen allele CA9232060.

ClinVar aggregate classification (germline): Uncertain significance. Review status: criteria provided, multiple submitters, no conflicts (2 of 4 stars). 3 submissions from 3 submitters: Uncertain significance (3). Last evaluated 2024-12-02.

Conditions:
Inborn genetic diseases. Identifiers: MedGen C0950123, MeSH D030342.
Aicardi-Goutieres syndrome 4. Identifiers: Orphanet 51, MedGen C1835912, MONDO:0012472, OMIM 610333.

Allele frequency attached by ClinVar (database versions not stated): gnomAD 0.00001; TOPMed 0.00004; ExAC 0.00007; gnomAD exomes 0.00008.
gnomAD v4.1: 45 of 1,614,000 alleles (0.0028%); highest among the groups gnomAD compares: Admixed American, 0.027%; no homozygotes.

Submissions (3):

Mayo Clinic Laboratories, Mayo Clinic
Classification: Uncertain significance. Last evaluated: 2024-12-02. Review status: criteria provided, single submitter. Criteria: ACMG Guidelines, 2015. Collection method: clinical testing. Allele origin: germline. Observed: 1 variant allele.
Comment: BP4

Ambry Genetics
Classification: Uncertain significance for Inborn genetic diseases. Last evaluated: 2024-10-01. Review status: criteria provided, single submitter. Criteria: Ambry Variant Classification Scheme 2023. Collection method: clinical testing. Allele origin: germline.

Labcorp Genetics (formerly Invitae), Labcorp
Classification: Uncertain significance for Aicardi-Goutieres syndrome 4. Last evaluated: 2023-12-07. Review status: criteria provided, single submitter. Criteria: Invitae Variant Classification Sherloc (09022015). Collection method: clinical testing. Allele origin: germline.
Comment: This sequence change replaces arginine, which is basic and polar, with histidine, which is basic and polar, at codon 280 of the RNASEH2A protein (p.Arg280His). This variant is present in population databases (rs756346898, gnomAD 0.04%). This variant has not been reported in the literature in individuals affected with RNASEH2A-related conditions. ClinVar contains an entry for this variant (Variation ID: 862009). Algorithms developed to predict the effect of missense changes on protein structure and function output the following: SIFT: "Not Available"; PolyPhen-2: "Benign"; Align-GVGD: "Not Available". The histidine amino acid residue is found in multiple mammalian species, which suggests that this missense change does not adversely affect protein function. In summary, the available evidence is currently insufficient to determine the role of this variant in disease. Therefore, it has been classified as a Variant of Uncertain Significance.